The following is an entry in ClinVar:

NM_000553.6(WRN):c.908C>G (p.Thr303Ser)

Gene: WRN (WRN RecQ like helicase; plus strand). Cytogenetic location: 8p12.
Variant type: single nucleotide variant.
Coding change: c.908C>G on transcript NM_000553.6 (MANE Select); coding-DNA position 908, C replaced by G.
Protein change: p.Thr303Ser; replaces threonine 303 with serine.
Molecular consequence: missense variant.
Genome position (GRCh38, 1-based): chr8:31,080,935, C>G. VCF-style: chr8-31080935-C-G. GRCh37 (hg19) VCF-style: chr8-30938451-C-G.
Other names: short protein forms T303S.
Identifiers: ClinVar variation 842155 (VCV000842155.5), dbSNP rs1813278615, ClinGen allele CA370919839.

ClinVar aggregate classification (germline): Uncertain significance (1 of 4 stars; one submission).

Conditions:
Werner syndrome (WRN). Identifiers: Orphanet 902, MedGen C0043119, MONDO:0010196, OMIM 277700.

Submission:

Labcorp Genetics (formerly Invitae), Labcorp
Classification: Uncertain significance for Werner syndrome. Last evaluated: 2021-07-21. Review status: criteria provided, single submitter. Criteria: Invitae Variant Classification Sherloc (09022015). Collection method: clinical testing. Allele origin: germline.
Comment: This sequence change replaces threonine with serine at codon 303 of the WRN protein (p.Thr303Ser). The threonine residue is weakly conserved and there is a small physicochemical difference between threonine and serine. This variant is not present in population databases (ExAC no frequency). This variant has not been reported in the literature in individuals with WRN-related conditions. Algorithms developed to predict the effect of missense changes on protein structure and function output the following: SIFT: "Tolerated"; PolyPhen-2: "Benign"; Align-GVGD: "Class C0". The serine amino acid residue is found in multiple mammalian species, suggesting that this missense change does not adversely affect protein function. These predictions have not been confirmed by published functional studies and their clinical significance is uncertain. In summary, the available evidence is currently insufficient to determine the role of this variant in disease. Therefore, it has been classified as a Variant of Uncertain Significance.